The following is an entry in ClinVar:

ClinVar aggregate classification (germline): Uncertain significance (1 of 4 stars; one submission).

Submission:

CeGaT Center for Human Genetics Tuebingen
Classification: Uncertain significance. Last evaluated: 2025-11-01. Review status: criteria provided, single submitter. Criteria: CeGaT Center For Human Genetics Tuebingen Variant Classification Criteria Version 2. Collection method: clinical testing. Allele origin: germline. Affected: yes. Observed: 1 variant allele.
Comment: STAG1: PM2

NM_005862.3(STAG1):c.1220C>G (p.Ala407Gly)

Gene: STAG1 (STAG1 cohesin complex component; minus strand). Cytogenetic location: 3q22.3.
Variant type: single nucleotide variant.
Coding change: c.1220C>G on transcript NM_005862.3 (MANE Select); coding-DNA position 1220, C replaced by G.
Protein change: p.Ala407Gly; replaces alanine 407 with glycine.
Molecular consequence: missense variant.
Genome position (GRCh38, 1-based): chr3:136,464,974, G>C on the plus strand (C>G on the coding strand, the complement: STAG1 is on the minus strand). VCF-style: chr3-136464974-G-C. GRCh37 (hg19) VCF-style: chr3-136183816-G-C.
Other names: short protein forms A407G.
Identifiers: ClinVar variation 4535225 (VCV004535225.6).
Genomic context (GRCh38, chr3:136,464,974, plus strand): 5'-ACAGGGCGATGTGCCGAGTACACCAAGTGGTAAACATTTTCACAGTCTTCATTGGAAAGA[G>C]CTTCTTCACTTCCACTGAAAAATACAGAAAGTAACATCTGATCTAAAGCAAATGTTTATT-3'
Protein context (NP_005853.2, residues 397-417): VTLILHGSEE[Ala407Gly]LSNEDCENVY